The following is an entry in ClinVar:

ClinVar aggregate classification (germline): Uncertain significance (1 of 4 stars; one submission).

Allele frequency attached by ClinVar (database versions not stated): gnomAD 0.00002; TOPMed 0.00002; gnomAD exomes 0.00004; ExAC 0.00014.
gnomAD v4.1: 84 of 1,587,806 alleles (0.0053%); highest among the groups gnomAD compares: Non-Finnish European, 0.0065%; no homozygotes.

Submission:

Labcorp Genetics (formerly Invitae), Labcorp
Classification: Uncertain significance. Last evaluated: 2025-03-20. Review status: criteria provided, single submitter. Criteria: Invitae Variant Classification Sherloc (09022015). Collection method: clinical testing. Allele origin: germline.
Comment: This sequence change replaces alanine, which is neutral and non-polar, with valine, which is neutral and non-polar, at codon 3 of the TNFRSF6B protein (p.Ala3Val). This variant is present in population databases (rs781657376, gnomAD 0.007%). This variant has not been reported in the literature in individuals affected with TNFRSF6B-related conditions. ClinVar contains an entry for this variant (Variation ID: 1430559). An algorithm developed to predict the effect of missense changes on protein structure and function outputs the following: PolyPhen-2: "Not Available". The valine amino acid residue is found in multiple mammalian species, which suggests that this missense change does not adversely affect protein function. In summary, the available evidence is currently insufficient to determine the role of this variant in disease. Therefore, it has been classified as a Variant of Uncertain Significance.

NM_003823.4(TNFRSF6B):c.8C>T (p.Ala3Val)

Genes: RTEL1-TNFRSF6B (RTEL1-TNFRSF6B readthrough (NMD candidate); plus strand), TNFRSF6B (TNF receptor superfamily member 6b; plus strand). Cytogenetic location: 20q13.33.
Variant type: single nucleotide variant.
Coding change: c.8C>T on transcript NM_003823.4 (MANE Select); coding-DNA position 8, C replaced by T.
Protein change: p.Ala3Val; replaces alanine 3 with valine.
Molecular consequence: missense variant. On other transcripts: non-coding transcript variant (1).
Genome position (GRCh38, 1-based): chr20:63,696,775, C>T. VCF-style: chr20-63696775-C-T. GRCh37 (hg19) VCF-style: chr20-62328128-C-T.
Other names: short protein forms A3V.
Identifiers: ClinVar variation 1430559 (VCV001430559.8), dbSNP rs781657376, ClinGen allele CA9966281.